The following is an entry in ClinVar:

NM_020632.3(ATP6V0A4):c.812T>A (p.Ile271Asn)

Gene: ATP6V0A4 (ATPase H+ transporting V0 subunit a4; minus strand). Cytogenetic location: 7q34.
Variant type: single nucleotide variant.
Coding change: c.812T>A on transcript NM_020632.3 (MANE Select); coding-DNA position 812, T replaced by A.
Protein change: p.Ile271Asn; replaces isoleucine 271 with asparagine.
Molecular consequence: missense variant.
Genome position (GRCh38, 1-based): chr7:138,755,693, A>T on the plus strand (T>A on the coding strand, the complement: ATP6V0A4 is on the minus strand). VCF-style: chr7-138755693-A-T. GRCh37 (hg19) VCF-style: chr7-138440438-A-T.
Other names: c.812T>A, p.Ile271Asn (NM_130840.3, NM_130841.3); short protein forms I271N.
Identifiers: ClinVar variation 359024 (VCV000359024.12), dbSNP rs147475779, ClinGen allele CA4504990.
Genomic context (GRCh38, chr7:138,755,693, plus strand): 5'-CAGAGGCAGCCCTCCTGCAGCTGCCATCAGACCATGCGCCCAAACCCCTCACTCACGGTG[A>T]TTAAATCTTCCAGCCTCACATTGACGCTCTCCAACATCTCTCTGCGCTCCACCGCAGGCT-3'
Protein context (NP_065683.2, residues 261-281): ESVNVRLEDL[Ile271Asn]TVITQTESHR

ClinVar aggregate classification (germline): Uncertain significance. Review status: criteria provided, multiple submitters, no conflicts (2 of 4 stars). 4 submissions from 4 submitters: Uncertain significance (4). Last evaluated 2025-09-10.

Conditions:
Autosomal recessive distal renal tubular acidosis. Identifiers: Orphanet 402041, MedGen C1864498, MONDO:0018440.
Inborn genetic diseases. Identifiers: MedGen C0950123, MeSH D030342.
Renal tubular acidosis, distal, 3, with or without sensorineural hearing loss (DRTA3). Identifiers: MedGen C5399980, MONDO:0011268, OMIM 602722.

Allele frequency attached by ClinVar (database versions not stated): ExAC 0.00002; gnomAD exomes 0.00005 and 0.00007; TOPMed 0.00005; gnomAD 0.00006; ESP Exome Variant Server 0.00015.
gnomAD v4.1: 115 of 1,613,738 alleles (0.0071%); highest among the groups gnomAD compares: Non-Finnish European, 0.0086%; no homozygotes.

Submissions (4):

Ambry Genetics
Classification: Uncertain significance for Inborn genetic diseases. Last evaluated: 2025-09-10. Review status: criteria provided, single submitter. Criteria: Ambry Variant Classification Scheme 2023. Collection method: clinical testing. Allele origin: germline.

Labcorp Genetics (formerly Invitae), Labcorp
Classification: Uncertain significance. Last evaluated: 2022-04-20. Review status: criteria provided, single submitter. Criteria: Invitae Variant Classification Sherloc (09022015). Collection method: clinical testing. Allele origin: germline.
Comment: In summary, the available evidence is currently insufficient to determine the role of this variant in disease. Therefore, it has been classified as a Variant of Uncertain Significance. Algorithms developed to predict the effect of missense changes on protein structure and function output the following: SIFT: "Tolerated"; PolyPhen-2: "Benign"; Align-GVGD: "Class C0". The asparagine amino acid residue is found in multiple mammalian species, which suggests that this missense change does not adversely affect protein function. ClinVar contains an entry for this variant (Variation ID: 359024). This variant has not been reported in the literature in individuals affected with ATP6V0A4-related conditions. This variant is present in population databases (rs147475779, gnomAD 0.007%). This sequence change replaces isoleucine, which is neutral and non-polar, with asparagine, which is neutral and polar, at codon 271 of the ATP6V0A4 protein (p.Ile271Asn).

Fulgent Genetics
Classification: Uncertain significance for Renal tubular acidosis, distal, 3, with or without sensorineural hearing loss. Last evaluated: 2022-03-31. Review status: criteria provided, single submitter. Criteria: ACMG Guidelines, 2015. Collection method: clinical testing. Allele origin: unknown.

Illumina Laboratory Services, Illumina
Classification: Uncertain significance for Renal tubular acidosis, distal, 3, with or without sensorineural hearing loss. Last evaluated: 2018-01-12. Review status: criteria provided, single submitter. Criteria: ICSL Variant Classification Criteria 13 December 2019. Collection method: clinical testing. Allele origin: germline.